The following is an entry in ClinVar:

ClinVar aggregate classification (germline): Pathogenic (1 of 4 stars; one submission).

Submission:

Labcorp Genetics (formerly Invitae), Labcorp
Classification: Pathogenic. Last evaluated: 2025-04-09. Review status: criteria provided, single submitter. Criteria: Invitae Variant Classification Sherloc (09022015). Collection method: clinical testing. Allele origin: germline.
Comment: This sequence change creates a premature translational stop signal (p.Tyr1135*) in the INPPL1 gene. It is expected to result in an absent or disrupted protein product. Loss-of-function variants in INPPL1 are known to be pathogenic (PMID: 23273567, 23273569). This variant is not present in population databases (gnomAD no frequency). This variant has not been reported in the literature in individuals affected with INPPL1-related conditions. For these reasons, this variant has been classified as Pathogenic.

Literature cited by the submitters: PubMed 23273567; PubMed 23273569.

NM_001567.4(INPPL1):c.3403_3404insG (p.Tyr1135Ter)

Gene: INPPL1 (inositol polyphosphate phosphatase like 1; plus strand). Cytogenetic location: 11q13.4.
Variant type: Insertion.
Coding change: c.3403_3404insG on transcript NM_001567.4 (MANE Select); coding-DNA positions 3403 to 3404, G inserted.
Protein change: p.Tyr1135Ter; replaces tyrosine 1135 with a stop codon.
Molecular consequence: nonsense.
Genome position: GRCh38 VCF-style: chr11-72237647-T-TG. GRCh37 (hg19) VCF-style: chr11-71948691-T-TG.
Other names: c.3469_3470insG, p.Tyr1157Ter (NM_001440434.1); c.3403_3404insG, p.Tyr1135Ter (NM_001440435.1, NM_001440436.1, NM_001440438.1); c.3262_3263insG, p.Tyr1088Ter (NM_001440437.1); short protein forms Y1135*, Y1157*, Y1088*.
Identifiers: ClinVar variation 4697586 (VCV004697586.1).